The following is an entry in ClinVar:

NC_000023.11:g.(?_120431313)_(120470223_?)del

Gene: LAMP2 (lysosome associated membrane protein 2; minus strand). Cytogenetic location: Xq24.
Variant type: Deletion.
Identifiers: ClinVar variation 832269 (VCV000832269.1).

ClinVar aggregate classification (germline): Pathogenic (1 of 4 stars; one submission).

Conditions:
Danon disease. Also called: Glycogen Storage Disease Type IIb; ANTOPOL DISEASE; PSEUDOGLYCOGENOSIS II; GSD IIb; LYSOSOMAL GLYCOGEN STORAGE DISEASE WITHOUT ACID MALTASE DEFICIENCY. Identifiers: Orphanet 34587, MedGen C0878677, MONDO:0010281, OMIM 300257.

Submission:

Labcorp Genetics (formerly Invitae), Labcorp
Classification: Pathogenic for Danon disease. Last evaluated: 2019-06-20. Review status: criteria provided, single submitter. Criteria: Invitae Variant Classification Sherloc (09022015). Collection method: clinical testing. Allele origin: germline.
Comment: A gross deletion of the genomic region encompassing the full coding sequence of the LAMP2 gene has been identified. The boundaries of this event are unknown as the deletion extends beyond the assayed region for this gene and therefore may encompass additional genes. This variant has not been reported in the literature in individuals with LAMP2-related conditions. Loss-of-function variants in LAMP2 are known to be pathogenic (PMID: 21415759). For these reasons, this variant has been classified as Pathogenic.